The following is an entry in ClinVar:

NM_020655.4(JPH3):c.768G>A (p.Thr256=)

Gene: JPH3 (junctophilin 3; plus strand). Cytogenetic location: 16q24.2.
Variant type: single nucleotide variant.
Coding change: c.768G>A on transcript NM_020655.4 (MANE Select); coding-DNA position 768, G replaced by A.
Protein change: p.Thr256=; no amino-acid change (threonine 256 retained).
Molecular consequence: synonymous variant. On other transcripts: non-coding transcript variant (1).
Genome position (GRCh38, 1-based): chr16:87,644,643, G>A. VCF-style: chr16-87644643-G-A. GRCh37 (hg19) VCF-style: chr16-87678249-G-A.
Identifiers: ClinVar variation 3059867 (VCV003059867.2), dbSNP rs9934222, ClinGen allele CA8220837.

ClinVar aggregate classification (germline): Benign (0 of 4 stars; one submission).

Conditions:
JPH3-related disorder. Also called: JPH3-related condition.

Allele frequency attached by ClinVar (database versions not stated): 1000 Genomes Project 0.10264; 1000 Genomes Project 30x 0.10634; ExAC 0.11685; gnomAD exomes 0.13853; gnomAD 0.13896; TOPMed 0.14033; ESP Exome Variant Server 0.15954.
gnomAD v4.1: 222,912 of 1,611,644 alleles (14%); highest among the groups gnomAD compares: Middle Eastern, 17%; 16,476 homozygotes.

Submission:

PreventionGenetics, part of Exact Sciences
Classification: Benign for JPH3-related condition. Last evaluated: 2019-10-30. Review status: no assertion criteria provided. Collection method: clinical testing. Allele origin: germline.
Comment: This variant is classified as benign based on ACMG/AMP sequence variant interpretation guidelines (Richards et al. 2015 PMID: 25741868, with internal and published modifications).